The following is an entry in ClinVar:

NM_152296.5(ATP1A3):c.2779T>C (p.Cys927Arg)

Gene: ATP1A3 (ATPase Na+/K+ transporting subunit alpha 3; minus strand). Cytogenetic location: 19q13.2.
Variant type: single nucleotide variant.
Coding change: c.2779T>C on transcript NM_152296.5 (MANE Select); coding-DNA position 2779, T replaced by C.
Protein change: p.Cys927Arg; replaces cysteine 927 with arginine.
Molecular consequence: missense variant.
Genome position (GRCh38, 1-based): chr19:41,968,825, A>G on the plus strand (T>C on the coding strand, the complement: ATP1A3 is on the minus strand). VCF-style: chr19-41968825-A-G. GRCh37 (hg19) VCF-style: chr19-42472977-A-G.
Other names: c.2812T>C, p.Cys938Arg (NM_001256213.2); c.2818T>C, p.Cys940Arg (NM_001256214.2); short protein forms C927R, C938R, C940R.
Identifiers: ClinVar variation 3730913 (VCV003730913.1).

ClinVar aggregate classification (germline): Likely pathogenic (1 of 4 stars; one submission).

Submission:

GeneDx
Classification: Likely pathogenic. Last evaluated: 2024-08-16. Review status: criteria provided, single submitter. Criteria: GeneDx Variant Classification Process June 2021. Collection method: clinical testing. Allele origin: germline. Affected: yes.
Comment: Not observed at significant frequency in large population cohorts (gnomAD); In silico analysis supports that this missense variant has a deleterious effect on protein structure/function; Has not been previously published as pathogenic or benign to our knowledge